The following is an entry in ClinVar:

NM_003280.3(TNNC1):c.140T>G (p.Met47Arg)

Gene: TNNC1 (troponin C1, slow skeletal and cardiac type; minus strand). Cytogenetic location: 3p21.1.
Variant type: single nucleotide variant.
Coding change: c.140T>G on transcript NM_003280.3 (MANE Select); coding-DNA position 140, T replaced by G.
Protein change: p.Met47Arg; replaces methionine 47 with arginine.
Molecular consequence: missense variant.
Genome position (GRCh38, 1-based): chr3:52,452,168, A>C on the plus strand (T>G on the coding strand, the complement: TNNC1 is on the minus strand). VCF-style: chr3-52452168-A-C. GRCh37 (hg19) VCF-style: chr3-52486184-A-C.
Other names: c.140T>G (LRG_378t1); short protein forms M47R.
Identifiers: ClinVar variation 488170 (VCV000488170.1), dbSNP rs1553651744, ClinGen allele CA353168723.
Genomic context (GRCh38, chr3:52,452,168, plus strand): 5'-TCCTCGTCCACCTCATCGATCATCTCCTGCAGCTCCTCAGGGGTGGGGTTCTGGCCCAGC[A>C]TCCTCATCACCTTGCCCAGCTCCTTGGTGCTGATGCAGCCATCCTCAGCGCCCAGCACGA-3'
Protein context (NP_003271.1, residues 37-57): STKELGKVMR[Met47Arg]LGQNPTPEEL

ClinVar aggregate classification (germline): Uncertain significance. Review status: criteria provided, multiple submitters, no conflicts (2 of 4 stars). 3 submissions from 2 submitters: Uncertain significance (3). Last evaluated 2018-06-20.

Conditions:
Dilated cardiomyopathy 1Z (CMD1Z). Identifiers: Orphanet 154, MedGen C2678475, MONDO:0012745, OMIM 611879.
Hypertrophic cardiomyopathy 13. Also called: TNNC1-Related Familial Hypertrophic Cardiomyopathy. Identifiers: MedGen C2750472, MONDO:0013195, OMIM 613243.

Submissions (3):

Labcorp Genetics (formerly Invitae), Labcorp
Classification: Uncertain significance for Familial hypertrophic cardiomyopathy 13; Dilated cardiomyopathy 1Z. Last evaluated: 2018-06-20. Review status: criteria provided, single submitter. Criteria: Invitae Variant Classification Sherloc (09022015). Collection method: clinical testing. Allele origin: germline.
Comment: This sequence change replaces methionine with arginine at codon 47 of the TNNC1 protein (p.Met47Arg). The methionine residue is moderately conserved and there is a moderate physicochemical difference between methionine and arginine. This variant is not present in population databases (ExAC no frequency). This variant has not been reported in the literature in individuals with TNNC1-related disease. ClinVar contains an entry for this variant (Variation ID: 488170). Algorithms developed to predict the effect of missense changes on protein structure and function are either unavailable or do not agree on the potential impact of this missense change (SIFT: "Tolerated"; PolyPhen-2: "Probably Damaging"; Align-GVGD: "Class C0"). In summary, the available evidence is currently insufficient to determine the role of this variant in disease. Therefore, it has been classified as a Variant of Uncertain Significance.

Phosphorus, Inc.
Classification: Uncertain significance for Dilated cardiomyopathy 1Z. Last evaluated: 2017-08-01. Review status: criteria provided, single submitter. Criteria: ACMG Guidelines, 2015. Collection method: clinical testing. Allele origin: germline. Observed: 1 variant allele.

Phosphorus, Inc.
Classification: Uncertain significance for Hypertrophic cardiomyopathy 13. Last evaluated: 2017-08-01. Review status: criteria provided, single submitter. Criteria: ACMG Guidelines, 2015. Collection method: clinical testing. Allele origin: germline. Observed: 1 variant allele.